The following is an entry in ClinVar:

NM_001283009.2(RTEL1):c.2083A>G (p.Ile695Val)

Genes: RTEL1 (regulator of telomere elongation helicase 1; plus strand), RTEL1-TNFRSF6B (RTEL1-TNFRSF6B readthrough (NMD candidate); plus strand). Cytogenetic location: 20q13.33.
Variant type: single nucleotide variant.
Coding change: c.2083A>G on transcript NM_001283009.2 (MANE Select); coding-DNA position 2083, A replaced by G.
Protein change: p.Ile695Val; replaces isoleucine 695 with valine.
Molecular consequence: missense variant. On other transcripts: non-coding transcript variant (1).
Genome position (GRCh38, 1-based): chr20:63,689,807, A>G. VCF-style: chr20-63689807-A-G. GRCh37 (hg19) VCF-style: chr20-62321160-A-G.
Other names: c.1414A>G, p.Ile472Val (NM_001283010.1); c.2083A>G, p.Ile695Val (NM_016434.4); c.2155A>G, p.Ile719Val (NM_032957.5); short protein forms I719V, I472V, I695V.
Identifiers: ClinVar variation 834123 (VCV000834123.10), dbSNP rs2090684109, ClinGen allele CA409679207.

ClinVar aggregate classification (germline): Uncertain significance (1 of 4 stars; one submission).

Conditions:
Dyskeratosis congenita, autosomal recessive 5 (DKCB5). Identifiers: MedGen C3554656, MONDO:0014076, OMIM 615190.
Pulmonary fibrosis and/or bone marrow failure, Telomere-related, 3. Also called: PULMONARY FIBROSIS AND/OR BONE MARROW FAILURE SYNDROME, TELOMERE-RELATED, 3. Identifiers: Orphanet 2032, MedGen C4225346, MONDO:0014613, OMIM 616373.

Allele frequency attached by ClinVar (database versions not stated): gnomAD exomes below 0.00001.

Submission:

Labcorp Genetics (formerly Invitae), Labcorp
Classification: Uncertain significance for Dyskeratosis congenita, autosomal recessive 5; Pulmonary fibrosis and/or bone marrow failure, Telomere-related, 3. Last evaluated: 2023-10-13. Review status: criteria provided, single submitter. Criteria: Invitae Variant Classification Sherloc (09022015). Collection method: clinical testing. Allele origin: germline.
Comment: This sequence change replaces isoleucine, which is neutral and non-polar, with valine, which is neutral and non-polar, at codon 695 of the RTEL1 protein (p.Ile695Val). This variant is not present in population databases (gnomAD no frequency). This variant has not been reported in the literature in individuals affected with RTEL1-related conditions. ClinVar contains an entry for this variant (Variation ID: 834123). An algorithm developed to predict the effect of missense changes on protein structure and function (PolyPhen-2) suggests that this variant is likely to be disruptive. In summary, the available evidence is currently insufficient to determine the role of this variant in disease. Therefore, it has been classified as a Variant of Uncertain Significance.